The following is an entry in ClinVar:

ClinVar aggregate classification (germline): Uncertain significance (0 of 4 stars; one submission).

Conditions:
Intellectual disability, autosomal dominant 24 (VSVS). Also called: VULTO-VAN SILFHOUT-DE VRIES SYNDROME. Identifiers: MedGen C4014414, MONDO:0014357, OMIM 615828.

Submission:

Clinical Genomics Laboratory, Stanford Medicine
Classification: Uncertain significance for Intellectual disability, autosomal dominant 24. Last evaluated: 2019-03-12. Review status: no assertion criteria provided. Collection method: clinical testing. Allele origin: germline. Inheritance: Autosomal dominant inheritance. Affected: yes.
Comment: The p.Pro274Leu variant was absent from large population databases, including the Genome Aggregation Database, however this individualâ€™s ancestry is not well represented in large population databases. Previously reported missense variants in DEAF1 have impacted the proteinâ€™s SAND domain. The p.Pro274Leu variant is one residue downstream of the SAND domain boundary (residues 195-273; UniProt) and the significance of missense variants outside of the SAND domain is currently uncertain in the absence of functional studies or additional data. These data were assessed using the ACMG/AMP variant interpretation guidelines. In summary, the significance of the p.Pro274Leu variant is uncertain. Additional information is needed to resolve the significance of this variant. [ACMG evidence codes used: PS2_moderate; PM2_supporting].

NM_021008.4(DEAF1):c.821C>T (p.Pro274Leu)

Gene: DEAF1 (DEAF1 transcription factor; minus strand). Cytogenetic location: 11p15.5.
Variant type: single nucleotide variant.
Coding change: c.821C>T on transcript NM_021008.4 (MANE Select); coding-DNA position 821, C replaced by T.
Protein change: p.Pro274Leu; replaces proline 274 with leucine.
Molecular consequence: missense variant. On other transcripts: synonymous variant (1).
Genome position (GRCh38, 1-based): chr11:684,947, G>A on the plus strand (C>T on the coding strand, the complement: DEAF1 is on the minus strand). VCF-style: chr11-684947-G-A. GRCh37 (hg19) VCF-style: chr11-684947-G-A.
Other names: c.681C>T, p.Pro227= (NM_001293634.2); c.95C>T, p.Pro32Leu (NM_001367390.1); short protein forms P274L, P32L.
Identifiers: ClinVar variation 975850 (VCV000975850.1), dbSNP rs1860525640, ClinGen allele CA378930223.
Genomic context (GRCh38, chr11:684,947, plus strand): 5'-TGGCCACTTACTAAGGTCATGTCGTCGCAGCAGGCAGCACAGGTGCAAGAGGCAGCGTGA[G>A]GGTTTAAGATCCCATCCTGAGATGTGAAAAGAACCACCATGCATTAGCAAGTCAGCCCCT-3'
Protein context (NP_066288.2, residues 264-284): QCLIQDGILN[Pro274Leu]HAASCTCAAC